The following is an entry in ClinVar:

ClinVar aggregate classification (germline): Uncertain significance (1 of 4 stars; one submission).

Conditions:
Hereditary cancer-predisposing syndrome. Also called: Neoplastic Syndromes, Hereditary; Hereditary Cancer Syndrome; Hereditary neoplastic syndrome; Tumor predisposition. Identifiers: Orphanet 140162, MedGen C0027672, MeSH D009386, MONDO:0015356.

Allele frequency attached by ClinVar (database versions not stated): gnomAD exomes below 0.00001.
gnomAD v4.1: 3 of 1,614,164 alleles (0.00019%); highest among the groups gnomAD compares: Non-Finnish European, 0.00025%; no homozygotes.

Submission:

Ambry Genetics
Classification: Uncertain significance for Hereditary cancer-predisposing syndrome. Last evaluated: 2023-05-31. Review status: criteria provided, single submitter. Criteria: Ambry Variant Classification Scheme 2023. Collection method: clinical testing. Allele origin: germline.
Comment: The p.S463P variant (also known as c.1387T>C), located in coding exon 13 of the FANCC gene, results from a T to C substitution at nucleotide position 1387. The serine at codon 463 is replaced by proline, an amino acid with similar properties. This amino acid position is conserved. In addition, this alteration is predicted to be tolerated by in silico analysis. Since supporting evidence is limited at this time, the clinical significance of this alteration remains unclear.

NM_000136.3(FANCC):c.1387T>C (p.Ser463Pro)

Genes: AOPEP (aminopeptidase O (putative); plus strand), FANCC (FA complementation group C; minus strand). Cytogenetic location: 9q22.32.
Variant type: single nucleotide variant.
Coding change: c.1387T>C on transcript NM_000136.3 (MANE Select); coding-DNA position 1387, T replaced by C.
Protein change: p.Ser463Pro; replaces serine 463 with proline.
Molecular consequence: missense variant.
Genome position (GRCh38, 1-based): chr9:95,107,212, A>G on the plus strand (T>C on the coding strand, the complement: FANCC is on the minus strand). VCF-style: chr9-95107212-A-G. GRCh37 (hg19) VCF-style: chr9-97869494-A-G.
Other names: c.1387T>C, p.Ser463Pro (NM_001243743.2); short protein forms S463P.
Identifiers: ClinVar variation 2565554 (VCV002565554.2), dbSNP rs2134456020, ClinGen allele CA374106168.